The following is an entry in ClinVar:

NM_001042492.3(NF1):c.4650del (p.Glu1550fs)

Gene: NF1 (neurofibromin 1; plus strand). Cytogenetic location: 17q11.2.
Variant type: Deletion.
Coding change: c.4650del on transcript NM_001042492.3 (MANE Select); coding-DNA position 4650, one base deleted (G; older notation c.4650delG).
Protein change: p.Glu1550fs; shifts the reading frame from glutamic acid 1550.
Molecular consequence: frameshift variant.
Genome position (GRCh38, 1-based): chr17:31,261,783, G deleted. VCF-style (leftmost placement, unchanged base first): chr17-31261782-AG-A. GRCh37 (hg19) VCF-style: chr17-29588800-AG-A.
Other names: c.4587delG, p.Glu1529Aspfs (NM_000267.4); short protein forms E1550fs, E1529fs.
Identifiers: ClinVar variation 3723853 (VCV003723853.2).

ClinVar aggregate classification (germline): Pathogenic (1 of 4 stars; one submission).

Conditions:
Neurofibromatosis, type 1 (NF1). Also called: VON RECKLINGHAUSEN DISEASE; NEUROFIBROMATOSIS, TYPE I, SOMATIC; Peripheral type neurofibromatosis; Neurofibromatosis, type I. Identifiers: Orphanet 636, MedGen C0027831, MONDO:0018975, OMIM 162200. Disease mechanism: loss of function.

Submission:

Labcorp Genetics (formerly Invitae), Labcorp
Classification: Pathogenic for Neurofibromatosis, type 1. Last evaluated: 2024-10-31. Review status: criteria provided, single submitter. Criteria: Invitae Variant Classification Sherloc (09022015). Collection method: clinical testing. Allele origin: germline.
Comment: This sequence change creates a premature translational stop signal (p.Glu1529Aspfs*24) in the NF1 gene. It is expected to result in an absent or disrupted protein product. Loss-of-function variants in NF1 are known to be pathogenic (PMID: 10712197, 23913538). This variant is not present in population databases (gnomAD no frequency). This variant has not been reported in the literature in individuals affected with NF1-related conditions. RNA analysis provides insufficient evidence to determine the effect of this variant on NF1 splicing (internal data). For these reasons, this variant has been classified as Pathogenic.

Literature cited by the submitters: PubMed 10712197; PubMed 23913538.